The following is an entry in ClinVar:

ClinVar aggregate classification (germline): Uncertain significance (1 of 4 stars; one submission).

gnomAD v4.1: 8 of 1,613,650 alleles (0.0005%); highest among the groups gnomAD compares: Non-Finnish European, 0.00068%; no homozygotes.

Submission:

Labcorp Genetics (formerly Invitae), Labcorp
Classification: Uncertain significance. Last evaluated: 2025-01-29. Review status: criteria provided, single submitter. Criteria: Invitae Variant Classification Sherloc (09022015). Collection method: clinical testing. Allele origin: germline.
Comment: This sequence change falls in intron 17 of the KDM1A gene. It does not directly change the encoded amino acid sequence of the KDM1A protein. It affects a nucleotide within the consensus splice site. This variant is present in population databases (no rsID available, gnomAD 0.0009%). This variant has not been reported in the literature in individuals affected with KDM1A-related conditions. Variants that disrupt the consensus splice site are a relatively common cause of aberrant splicing (PMID: 17576681, 9536098). Algorithms developed to predict the effect of sequence changes on RNA splicing suggest that this variant is not likely to affect RNA splicing. In summary, the available evidence is currently insufficient to determine the role of this variant in disease. Therefore, it has been classified as a Variant of Uncertain Significance.

Literature cited by the submitters: PubMed 17576681; PubMed 9536098.

NM_001009999.3(KDM1A):c.2055+4G>C

Gene: KDM1A (lysine demethylase 1A; plus strand). Cytogenetic location: 1p36.12.
Variant type: single nucleotide variant.
Coding change: c.2055+4G>C on transcript NM_001009999.3 (MANE Select); 4 bases into the intron after coding-DNA position 2055, G replaced by C.
Molecular consequence: intron variant.
Genome position (GRCh38, 1-based): chr1:23,079,181, G>C. VCF-style: chr1-23079181-G-C. GRCh37 (hg19) VCF-style: chr1-23405674-G-C.
Other names: c.2061+4G>C (NM_001410762.1); c.2001+4G>C (NM_001363654.2); c.1983+4G>C (NM_001410763.1, NM_015013.4).
Identifiers: ClinVar variation 3709188 (VCV003709188.2).
Genomic context (GRCh38, chr1:23,079,181, plus strand): 5'-CTCCCTGAGTGGAAAACATCTGCAGTCCAAAGGATGGGATTTGGCAACCTTAACAAGGTA[G>C]CTTGCCCTAGACACTCCTGTCTACAGATCTGATGTACAAATAGCAGTCTTCGTTGTTTAC-3'